The following is an entry in ClinVar:

ClinVar aggregate classification (germline): Likely benign (1 of 4 stars; one submission).

gnomAD v4.1: 3 of 1,614,088 alleles (0.00019%); highest among the groups gnomAD compares: African/African-American, 0.0027%; no homozygotes.

Submission:

Women's Health and Genetics/Laboratory Corporation of America, LabCorp
Classification: Likely benign. Last evaluated: 2025-12-08. Review status: criteria provided, single submitter. Criteria: LabCorp Variant Classification Summary - May 2015. Collection method: clinical testing. Allele origin: germline.
Comment: Variant summary: ARHGEF10 c.3777A>G alters a conserved nucleotide resulting in a synonymous change. Consensus agreement among computation tools predict no significant impact on normal splicing. However, these predictions have yet to be confirmed by functional studies. The variant was absent in 251440 control chromosomes. The available data on variant occurrences in the general population are insufficient to allow any conclusion about variant significance. To our knowledge, no occurrence of c.3777A>G in individuals affected with ARHGEF10-related conditions and no experimental evidence demonstrating its impact on protein function have been reported. No submitters have cited clinical-significance assessments for this variant to ClinVar. Based on the evidence outlined above, the variant was classified as likely benign.

NM_014629.4(ARHGEF10):c.3777A>G (p.Ser1259=)

Gene: ARHGEF10 (Rho guanine nucleotide exchange factor 10; plus strand). Cytogenetic location: 8p23.3.
Variant type: single nucleotide variant.
Coding change: c.3777A>G on transcript NM_014629.4 (MANE Select); coding-DNA position 3777, A replaced by G.
Protein change: p.Ser1259=; no amino-acid change (serine 1259 retained).
Molecular consequence: synonymous variant.
Genome position (GRCh38, 1-based): chr8:1,957,005, A>G. VCF-style: chr8-1957005-A-G. GRCh37 (hg19) VCF-style: chr8-1905171-A-G.
Other names: c.3663A>G, p.Ser1221= (NM_001308152.2); c.3777A>G, p.Ser1259= (NM_001308153.3); c.3780A>G, p.Ser1260= (NM_001438091.1); c.3660A>G, p.Ser1220= (NM_001438092.1, NM_001438093.1); c.3540A>G, p.Ser1180= (NM_001438094.1).
Identifiers: ClinVar variation 4688491 (VCV004688491.1).